The following is an entry in ClinVar:

ClinVar aggregate classification (germline): Uncertain significance. Review status: criteria provided, multiple submitters, no conflicts (2 of 4 stars). 2 submissions from 2 submitters: Uncertain significance (2). Last evaluated 2022-05-22.

Conditions:
Nemaline myopathy 2 (NEM2). Also called: Nemaline myopathy 2, autosomal recessive. Identifiers: MedGen C1850569, MONDO:0009725, OMIM 256030.

Allele frequency attached by ClinVar (database versions not stated): TOPMed 0.00001.
gnomAD v4.1: 2 of 1,579,564 alleles (0.00013%); highest among the groups gnomAD compares: Admixed American, 0.0017%; no homozygotes.

Submissions (2):

Labcorp Genetics (formerly Invitae), Labcorp
Classification: Uncertain significance for Nemaline myopathy 2. Last evaluated: 2022-05-22. Review status: criteria provided, single submitter. Criteria: Invitae Variant Classification Sherloc (09022015). Collection method: clinical testing. Allele origin: germline.
Comment: This sequence change falls in intron 155 of the NEB gene. It does not directly change the encoded amino acid sequence of the NEB protein. It affects a nucleotide within the consensus splice site. This variant is present in population databases (rs778824203, gnomAD 0.003%). This variant has not been reported in the literature in individuals affected with NEB-related conditions. ClinVar contains an entry for this variant (Variation ID: 892744). Variants that disrupt the consensus splice site are a relatively common cause of aberrant splicing (PMID: 17576681, 9536098). Experimental studies and prediction algorithms are not available or were not evaluated, and the effect of this variant on mRNA splicing is currently unknown. In summary, the available evidence is currently insufficient to determine the role of this variant in disease. Therefore, it has been classified as a Variant of Uncertain Significance.

Illumina Laboratory Services, Illumina
Classification: Uncertain significance for Nemaline myopathy 2. Last evaluated: 2018-01-15. Review status: criteria provided, single submitter. Criteria: ICSL Variant Classification Criteria 13 December 2019. Collection method: clinical testing. Allele origin: germline.

Literature cited by the submitters: PubMed 17576681 (cited by Labcorp Genetics (formerly Invitae), Labcorp); PubMed 9536098 (cited by Labcorp Genetics (formerly Invitae), Labcorp).

NM_001164508.2(NEB):c.22591-3C>T

Genes: RIF1 (replication timing regulatory factor 1; plus strand), NEB (nebulin; minus strand). Cytogenetic location: 2q23.3.
Variant type: single nucleotide variant.
Coding change: c.22591-3C>T on transcript NM_001164508.2 (MANE Select); 3 bases into the intron before coding-DNA position 22591, C replaced by T.
Molecular consequence: intron variant.
Genome position (GRCh38, 1-based): chr2:151,519,072, G>A on the plus strand (C>T on the coding strand, the complement: NEB is on the minus strand). VCF-style: chr2-151519072-G-A. GRCh37 (hg19) VCF-style: chr2-152375586-G-A.
Other names: c.17488-3C>T (NM_004543.5); c.22591-3C>T (NM_001164507.2); c.22696-3C>T (NM_001271208.2).
Identifiers: ClinVar variation 892744 (VCV000892744.5), dbSNP rs778824203, ClinGen allele CA1906589.